The following is an entry in ClinVar:

ClinVar aggregate classification (germline): Likely benign. Review status: criteria provided, single submitter (1 of 4 stars). 2 submissions from 2 submitters: Likely benign (1). 1 of the submissions does not count toward it. Last evaluated 2022-12-30.

Conditions:
Retinitis pigmentosa 71 (RP71). Identifiers: Orphanet 791, MedGen C4225342, MONDO:0014618, OMIM 616394.
Short-rib thoracic dysplasia 10 with or without polydactyly (SRTD10). Identifiers: Orphanet 474, MedGen C3810175, MONDO:0014284, OMIM 615630.
IFT172-related disorder. Also called: IFT172-related disorders; IFT172-related condition.

gnomAD v4.1: 1 of 1,614,022 alleles (0.000062%); highest among the groups gnomAD compares: African/African-American, 0.0013%; no homozygotes.

Submissions (2):

Labcorp Genetics (formerly Invitae), Labcorp
Classification: Likely benign for Retinitis pigmentosa 71; Short-rib thoracic dysplasia 10 with or without polydactyly. Last evaluated: 2022-12-30. Review status: criteria provided, single submitter. Criteria: Invitae Variant Classification Sherloc (09022015). Collection method: clinical testing. Allele origin: germline.

PreventionGenetics, part of Exact Sciences
Classification: Likely benign for IFT172-related condition. Last evaluated: 2021-01-11. Review status: no assertion criteria provided. Collection method: clinical testing. Allele origin: germline. Not counted in ClinVar's aggregate classification.
Comment: This variant is classified as likely benign based on ACMG/AMP sequence variant interpretation guidelines (Richards et al. 2015 PMID: 25741868, with internal and published modifications).

NM_015662.3(IFT172):c.4185T>C (p.His1395=)

Gene: IFT172 (intraflagellar transport 172; minus strand). Cytogenetic location: 2p23.3.
Variant type: single nucleotide variant.
Coding change: c.4185T>C on transcript NM_015662.3 (MANE Select); coding-DNA position 4185, T replaced by C.
Protein change: p.His1395=; no amino-acid change (histidine 1395 retained).
Molecular consequence: synonymous variant.
Genome position (GRCh38, 1-based): chr2:27,449,538, A>G on the plus strand (T>C on the coding strand, the complement: IFT172 is on the minus strand). VCF-style: chr2-27449538-A-G. GRCh37 (hg19) VCF-style: chr2-27672405-A-G.
Other names: c.4185T>C (NM_015662.2); c.4119T>C, p.His1373= (NM_001410739.1).
Identifiers: ClinVar variation 2929137 (VCV002929137.4), dbSNP rs148360112, ClinGen allele CA425415505.